The following is an entry in ClinVar:

NM_006073.4(TRDN):c.1692G>C (p.Gln564His)

Gene: TRDN (triadin; minus strand). Cytogenetic location: 6q22.31.
Variant type: single nucleotide variant.
Coding change: c.1692G>C on transcript NM_006073.4 (MANE Select); coding-DNA position 1692, G replaced by C.
Protein change: p.Gln564His; replaces glutamine 564 with histidine.
Molecular consequence: missense variant.
Genome position (GRCh38, 1-based): chr6:123,271,167, C>G on the plus strand (G>C on the coding strand, the complement: TRDN is on the minus strand). VCF-style: chr6-123271167-C-G. GRCh37 (hg19) VCF-style: chr6-123592312-C-G.
Other names: c.1692G>C (NM_006073.2); short protein forms Q564H.
Identifiers: ClinVar variation 962401 (VCV000962401.13), dbSNP rs747107207, ClinGen allele CA365564518.

ClinVar aggregate classification (germline): Uncertain significance. Review status: criteria provided, multiple submitters, no conflicts (2 of 4 stars). 2 submissions from 2 submitters: Uncertain significance (2). Last evaluated 2026-06-22.

Conditions:
Catecholaminergic polymorphic ventricular tachycardia 1. Also called: VENTRICULAR TACHYCARDIA, CATECHOLAMINERGIC POLYMORPHIC, 1, WITH OR WITHOUT ATRIAL DYSFUNCTION AND/OR DILATED CARDIOMYOPATHY; RYR2-Related Catecholaminergic Polymorphic Ventricular Tachycardia; VENTRICULAR TACHYCARDIA, STRESS-INDUCED POLYMORPHIC 1. Identifiers: Orphanet 3286, MedGen C1631597, MONDO:0011484, OMIM 604772.
Cardiovascular phenotype. Identifiers: MedGen CN230736.

Allele frequency attached by ClinVar (database versions not stated): TOPMed 0.00001.
gnomAD v4.1: 2 of 1,539,234 alleles (0.00013%); highest among the groups gnomAD compares: Non-Finnish European, 0.00017%; no homozygotes.

Submissions (2):

Ambry Genetics
Classification: Uncertain significance for Cardiovascular phenotype. Last evaluated: 2026-06-22. Review status: criteria provided, single submitter. Criteria: Ambry Variant Classification Scheme 2023. Collection method: clinical testing. Allele origin: germline.
Comment: The p.Q564H variant (also known as c.1692G>C), located in coding exon 30 of the TRDN gene, results from a G to C substitution at nucleotide position 1692. The glutamine at codon 564 is replaced by histidine, an amino acid with highly similar properties. This amino acid position is conserved. In addition, this alteration is predicted to be tolerated by in silico analysis. Based on the available evidence, the clinical significance of this variant remains unclear.

Labcorp Genetics (formerly Invitae), Labcorp
Classification: Uncertain significance for Catecholaminergic polymorphic ventricular tachycardia 1. Last evaluated: 2022-05-03. Review status: criteria provided, single submitter. Criteria: Invitae Variant Classification Sherloc (09022015). Collection method: clinical testing. Allele origin: germline.
Comment: In summary, the available evidence is currently insufficient to determine the role of this variant in disease. Therefore, it has been classified as a Variant of Uncertain Significance. Algorithms developed to predict the effect of sequence changes on RNA splicing suggest that this variant may create or strengthen a splice site. Algorithms developed to predict the effect of missense changes on protein structure and function output the following: SIFT: "Deleterious"; PolyPhen-2: "Benign"; Align-GVGD: "Class C0". The histidine amino acid residue is found in multiple mammalian species, which suggests that this missense change does not adversely affect protein function. ClinVar contains an entry for this variant (Variation ID: 962401). This variant has not been reported in the literature in individuals affected with TRDN-related conditions. This variant is not present in population databases (gnomAD no frequency). This sequence change replaces glutamine, which is neutral and polar, with histidine, which is basic and polar, at codon 564 of the TRDN protein (p.Gln564His).